The following is an entry in ClinVar:

NM_000082.4(ERCC8):c.397del (p.Gln133fs)

Genes: ERCC8 (ERCC excision repair 8, CSA ubiquitin ligase complex subunit; minus strand), ERCC8-AS1 (ERCC8 antisense RNA 1; plus strand). Cytogenetic location: 5q12.1.
Variant type: Deletion.
Coding change: c.397del on transcript NM_000082.4 (MANE Select); coding-DNA position 397, one base deleted (C; older notation c.397delC).
Protein change: p.Gln133fs; shifts the reading frame from glutamine 133.
Molecular consequence: frameshift variant.
Genome position (GRCh38, 1-based): chr5:60,918,267, G deleted on the plus strand (C on the coding strand, the reverse complement: ERCC8 is on the minus strand). VCF-style (leftmost placement, unchanged base first): chr5-60918266-TG-T. GRCh37 (hg19) VCF-style: chr5-60214093-TG-T.
Other names: c.223del, p.Gln75fs (NM_001007233.3); c.397del, p.Gln133fs (NM_001007234.3); c.20del, p.Thr7fs (NM_001290285.2); short protein forms Q133fs, Q75fs, T7fs.
Identifiers: ClinVar variation 2710633 (VCV002710633.3), dbSNP rs2531829191, ClinGen allele CA2697547183.

ClinVar aggregate classification (germline): Pathogenic (1 of 4 stars; one submission).

Submission:

Labcorp Genetics (formerly Invitae), Labcorp
Classification: Pathogenic. Last evaluated: 2024-01-21. Review status: criteria provided, single submitter. Criteria: Invitae Variant Classification Sherloc (09022015). Collection method: clinical testing. Allele origin: germline.
Comment: This sequence change creates a premature translational stop signal (p.Gln133Lysfs*27) in the ERCC8 gene. It is expected to result in an absent or disrupted protein product. Loss-of-function variants in ERCC8 are known to be pathogenic (PMID: 29572252). This variant is not present in population databases (gnomAD no frequency). This variant has not been reported in the literature in individuals affected with ERCC8-related conditions. For these reasons, this variant has been classified as Pathogenic.

Literature cited by the submitters: PubMed 29572252.